The following is an entry in ClinVar:

NM_052989.3(IFT122):c.3649del (p.Glu1217fs)

Gene: IFT122 (intraflagellar transport 122; plus strand). Cytogenetic location: 3q22.1.
Variant type: Deletion.
Coding change: c.3649del on transcript NM_052989.3 (MANE Select); coding-DNA position 3649, one base deleted (G; older notation c.3649delG).
Protein change: p.Glu1217fs; shifts the reading frame from glutamic acid 1217.
Molecular consequence: frameshift variant.
Genome position (GRCh38, 1-based): chr3:129,520,188, G deleted. VCF-style (leftmost placement, unchanged base first): chr3-129520187-TG-T. GRCh37 (hg19) VCF-style: chr3-129239030-TG-T.
Other names: c.3628del, p.Glu1210fs (NM_001280541.2); c.3199del, p.Glu1067fs (NM_001280545.2); c.3022del, p.Glu1008fs (NM_001280546.2); c.3472del, p.Glu1158fs (NM_018262.4); c.3802del, p.Glu1268fs (NM_052985.4); c.3319del, p.Glu1107fs (NM_052990.3); short protein forms E1008fs, E1067fs, E1107fs, E1158fs, E1210fs, E1217fs, E1268fs.
Identifiers: ClinVar variation 1065681 (VCV001065681.1), dbSNP rs2084588345, ClinGen allele CA1401192220.

ClinVar aggregate classification (germline): Likely pathogenic (1 of 4 stars; one submission).

Conditions:
Rod-cone dystrophy. Identifiers: MedGen C4551714, HP:0000510.

Allele frequency attached by ClinVar (database versions not stated): gnomAD exomes below 0.00001; TOPMed below 0.00001.

Submission:

Ocular Genomics Institute, Massachusetts Eye and Ear
Classification: Likely pathogenic for Rod-cone dystrophy. Last evaluated: 2021-04-08. Review status: criteria provided, single submitter. Criteria: ACMG Guidelines, 2015. Collection method: research. Allele origin: germline. Affected: yes.
Comment: Through a review of available evidence we were able to apply the following criteria: PVS1, PM2. Based on this evidence we have classified this variant as Likely Pathogenic.